The following is an entry in ClinVar:

NM_152564.5(VPS13B):c.9975T>C (p.Tyr3325=)

Gene: VPS13B (vacuolar protein sorting 13 homolog B; plus strand). Cytogenetic location: 8q22.2.
Variant type: single nucleotide variant.
Coding change: c.9975T>C on transcript NM_152564.5 (MANE Select); coding-DNA position 9975, T replaced by C.
Protein change: p.Tyr3325=; no amino-acid change (tyrosine 3325 retained).
Molecular consequence: synonymous variant.
Genome position (GRCh38, 1-based): chr8:99,848,808, T>C. VCF-style: chr8-99848808-T-C. GRCh37 (hg19) VCF-style: chr8-100861036-T-C.
Other names: c.9975T>C (NM_152564.4); c.10050T>C, p.Tyr3350= (NM_017890.5).
Identifiers: ClinVar variation 1126300 (VCV001126300.10), dbSNP rs369522130, ClinGen allele CA4824847.

ClinVar aggregate classification (germline): Likely benign. Review status: criteria provided, multiple submitters, no conflicts (2 of 4 stars). 2 submissions from 2 submitters: Likely benign (2). Last evaluated 2025-06-22.

Conditions:
Cohen syndrome (COH1). Also called: Cutis verticis gyrata, retinitis pigmentosa, and sensorineural deafness; PEPPER SYNDROME. Identifiers: Orphanet 193, MedGen C0265223, MONDO:0008999, OMIM 216550.
VPS13B-related disorder. Also called: VPS13B-related condition.

Allele frequency attached by ClinVar (database versions not stated): gnomAD exomes below 0.00001 and 0.00001; ExAC 0.00001; TOPMed 0.00001; ESP Exome Variant Server 0.00008.
gnomAD v4.1: 3 of 1,614,162 alleles (0.00019%); highest among the groups gnomAD compares: Non-Finnish European, 0.00025%; no homozygotes.

Submissions (2):

Labcorp Genetics (formerly Invitae), Labcorp
Classification: Likely benign for Cohen syndrome. Last evaluated: 2025-06-22. Review status: criteria provided, single submitter. Criteria: Invitae Variant Classification Sherloc (09022015). Collection method: clinical testing. Allele origin: germline.

PreventionGenetics, part of Exact Sciences
Classification: Likely benign for VPS13B-related condition. Last evaluated: 2024-10-11. Review status: criteria provided, single submitter. Criteria: ACMG Guidelines, 2015. Collection method: clinical testing. Allele origin: germline.
Comment: This variant is classified as likely benign based on ACMG/AMP sequence variant interpretation guidelines (Richards et al. 2015 PMID: 25741868, with internal and published modifications).